The following is an entry in ClinVar:

ClinVar aggregate classification (germline): Likely benign. Review status: criteria provided, multiple submitters, no conflicts (2 of 4 stars). 6 submissions from 6 submitters: Likely benign (5). 1 of the submissions does not count toward it. Last evaluated 2025-12-03.

Conditions:
Cardiovascular phenotype. Identifiers: MedGen CN230736.
Charcot-Marie-Tooth disease type 2. Also called: Charcot-Marie-Tooth type 2. Identifiers: Orphanet 64746, MedGen C0270914, MONDO:0018993.
Cardiomyopathy (CMYO). Also called: Cardiomyopathies. Identifiers: Orphanet 167848, MedGen C0878544, MONDO:0004994, HP:0001638. Inheritance: Various modes of inheritance.
Primary dilated cardiomyopathy (DCM). Also called: Dilated Cardiomyopathy. Identifiers: Orphanet 217604, MedGen C0007193, MeSH D002311, MONDO:0005021, HP:0001644. Inheritance: Various modes of inheritance.

Allele frequency attached by ClinVar (database versions not stated): TOPMed 0.00003; ExAC 0.00004; gnomAD exomes 0.00004 and 0.00008; gnomAD 0.00005.
gnomAD v4.1: 119 of 1,612,734 alleles (0.0074%); highest among the groups gnomAD compares: Non-Finnish European, 0.0087%; no homozygotes.

Submissions (6):

Labcorp Genetics (formerly Invitae), Labcorp
Classification: Likely benign for Charcot-Marie-Tooth disease type 2. Last evaluated: 2025-12-03. Review status: criteria provided, single submitter. Criteria: Invitae Variant Classification Sherloc (09022015). Collection method: clinical testing. Allele origin: germline.

All of Us Research Program, National Institutes of Health
Classification: Likely benign for Primary dilated cardiomyopathy. Last evaluated: 2023-12-18. Review status: criteria provided, single submitter. Criteria: ACMG Guidelines, 2015. Collection method: clinical testing. Allele origin: germline. Inheritance: Autosomal dominant inheritance. Observed: 12 variant alleles, 12 heterozygotes.
Comment: This study involves interpretation of variants in research participants for the purpose of population health screening. Participant phenotype was not available at the time of variant classification. Additional details can be found in publication PMID: 35346344, PMCID: PMC8962531

CeGaT Center for Human Genetics Tuebingen
Classification: Likely benign. Last evaluated: 2023-01-01. Review status: criteria provided, single submitter. Criteria: CeGaT Center For Human Genetics Tuebingen Variant Classification Criteria Version 2. Collection method: clinical testing. Allele origin: germline. Affected: yes. Observed: 2 variant alleles.
Comment: LMNA: BP4, BP7

Ambry Genetics
Classification: Likely benign for Cardiovascular phenotype. Last evaluated: 2019-03-06. Review status: criteria provided, single submitter. Criteria: Ambry Variant Classification Scheme 2023. Collection method: clinical testing. Allele origin: germline.

Color Diagnostics, LLC DBA Color Health
Classification: Likely benign for Cardiomyopathy. Last evaluated: 2018-11-21. Review status: criteria provided, single submitter. Criteria: ACMG Guidelines, 2015. Collection method: clinical testing. Allele origin: germline.

Epithelial Biology;  Institute of Medical Biology, Singapore
No classification provided. Review status: no classification provided. Collection method: not provided. Allele origin: not provided. Not counted in ClinVar's aggregate classification.

Literature cited by the submitters: PubMed 19427440 (cited by Ambry Genetics).

NM_170707.4(LMNA):c.1803C>T (p.Ser601=)

Gene: LMNA (lamin A/C; plus strand). Cytogenetic location: 1q22.
Variant type: single nucleotide variant.
Coding change: c.1803C>T on transcript NM_170707.4 (MANE Select); coding-DNA position 1803, C replaced by T.
Protein change: p.Ser601=; no amino-acid change (serine 601 retained).
Molecular consequence: synonymous variant.
Genome position (GRCh38, 1-based): chr1:156,138,592, C>T. VCF-style: chr1-156138592-C-T. GRCh37 (hg19) VCF-style: chr1-156108383-C-T.
Other names: c.1467C>T, p.Ser489= (NM_001257374.3); c.1803C>T, p.Ser601= (NM_001282626.2); c.1713C>T, p.Ser571= (NM_170708.4).
Identifiers: ClinVar variation 66867 (VCV000066867.44), dbSNP rs267607604, ClinGen allele CA020393.